The following is an entry in ClinVar:

ClinVar aggregate classification (germline): Uncertain significance. Review status: criteria provided, multiple submitters, no conflicts (2 of 4 stars). 3 submissions from 3 submitters: Uncertain significance (2). 1 of the submissions does not count toward it. Last evaluated 2024-02-22.

Conditions:
Short-rib thoracic dysplasia 10 with or without polydactyly (SRTD10). Identifiers: Orphanet 474, MedGen C3810175, MONDO:0014284, OMIM 615630.
Bardet-Biedl syndrome 20. Identifiers: MedGen C4310707, MONDO:0023670, OMIM 619471, MONDO:0014926.
Retinitis pigmentosa 71 (RP71). Identifiers: Orphanet 791, MedGen C4225342, MONDO:0014618, OMIM 616394.
IFT172-related disorder. Also called: IFT172-related disorders; IFT172-related condition.

Allele frequency attached by ClinVar (database versions not stated): ExAC 0.00001; gnomAD 0.00001; TOPMed 0.00001.
gnomAD v4.1: 39 of 1,611,202 alleles (0.0024%); highest among the groups gnomAD compares: Non-Finnish European, 0.0033%; no homozygotes.

Submissions (3):

Fulgent Genetics
Classification: Uncertain significance for Short-rib thoracic dysplasia 10 with or without polydactyly; Retinitis pigmentosa 71; Bardet-Biedl syndrome 20. Last evaluated: 2024-02-22. Review status: criteria provided, single submitter. Criteria: ACMG Guidelines, 2015. Collection method: clinical testing. Allele origin: germline.

Blueprint Genetics
Classification: Uncertain significance. Last evaluated: 2021-02-05. Review status: criteria provided, single submitter. Criteria: ACMG Guidelines, 2015. Collection method: clinical testing. Allele origin: germline.

PreventionGenetics, part of Exact Sciences
Classification: Uncertain significance for IFT172-related condition. Last evaluated: 2024-05-08. Review status: no assertion criteria provided. Collection method: clinical testing. Allele origin: germline. Not counted in ClinVar's aggregate classification.
Comment: The IFT172 c.4934T>C variant is predicted to result in the amino acid substitution p.Val1645Ala. To our knowledge, this variant has not been reported in the literature. This variant is reported in 0.0018% of alleles in individuals of European (Non-Finnish) descent in gnomAD. At this time, the clinical significance of this variant is uncertain due to the absence of conclusive functional and genetic evidence.

NM_015662.3(IFT172):c.4934T>C (p.Val1645Ala)

Genes: IFT172 (intraflagellar transport 172; minus strand), KRTCAP3 (keratinocyte associated protein 3; plus strand). Cytogenetic location: 2p23.3.
Variant type: single nucleotide variant.
Coding change: c.4934T>C on transcript NM_015662.3 (MANE Select); coding-DNA position 4934, T replaced by C.
Protein change: p.Val1645Ala; replaces valine 1645 with alanine.
Molecular consequence: missense variant. On other transcripts: intron variant (1).
Genome position (GRCh38, 1-based): chr2:27,445,430, A>G on the plus strand (T>C on the coding strand, the complement: IFT172 is on the minus strand). VCF-style: chr2-27445430-A-G. GRCh37 (hg19) VCF-style: chr2-27668297-A-G.
Other names: c.4868T>C, p.Val1623Ala (NM_001410739.1); c.*6-871A>G (NM_001168364.2); short protein forms V1623A, V1645A.
Identifiers: ClinVar variation 2629012 (VCV002629012.4), dbSNP rs753562959, ClinGen allele CA1579407.